The following is an entry in ClinVar:

ClinVar aggregate classification (germline): Uncertain significance (1 of 4 stars; one submission).

Conditions:
ATP2A1-related disorder. Also called: ATP2A1-related condition.

Submission:

PreventionGenetics, part of Exact Sciences
Classification: Uncertain significance for ATP2A1-related condition. Last evaluated: 2025-10-02. Review status: criteria provided, single submitter. Criteria: ACMG Guidelines, 2015. Collection method: clinical testing. Allele origin: germline.
Comment: The ATP2A1 c.2557G>C variant is predicted to result in the amino acid substitution p.Ala853Pro. To our knowledge, this variant has not been reported in the literature or in a large population database (gnomAD), indicating this variant is rare. At this time, the clinical significance of this variant is uncertain due to the absence of conclusive functional and genetic evidence.

NM_004320.6(ATP2A1):c.2557G>C (p.Ala853Pro)

Gene: ATP2A1 (ATPase sarcoplasmic/endoplasmic reticulum Ca2+ transporting 1; plus strand). Cytogenetic location: 16p11.2.
Variant type: single nucleotide variant.
Coding change: c.2557G>C on transcript NM_004320.6 (MANE Select); coding-DNA position 2557, G replaced by C.
Protein change: p.Ala853Pro; replaces alanine 853 with proline.
Molecular consequence: missense variant.
Genome position (GRCh38, 1-based): chr16:28,902,612, G>C. VCF-style: chr16-28902612-G-C. GRCh37 (hg19) VCF-style: chr16-28913933-G-C.
Other names: c.2182G>C, p.Ala728Pro (NM_001286075.2); c.2557G>C, p.Ala853Pro (NM_173201.5); short protein forms A728P, A853P.
Identifiers: ClinVar variation 4994734 (VCV004994734.1).
Genomic context (GRCh38, chr16:28,902,612, plus strand): 5'-ACCCCCGACTCCCCTCTCTCCACCACAGGCTATGTGGGTGCAGCCACCGTGGGAGCAGCT[G>C]CCTGGTGGTTCCTGTACGCTGAGGATGGGCCTCATGTCAACTACAGCCAGCTGGTAGGGG-3'
Protein context (NP_004311.1, residues 843-863): YVGAATVGAA[Ala853Pro]WWFLYAEDGP